The following is an entry in ClinVar:

NM_005982.4(SIX1):c.733A>T (p.Asn245Tyr)

Gene: SIX1 (SIX homeobox 1; minus strand). Cytogenetic location: 14q23.1.
Variant type: single nucleotide variant.
Coding change: c.733A>T on transcript NM_005982.4 (MANE Select); coding-DNA position 733, A replaced by T.
Protein change: p.Asn245Tyr; replaces asparagine 245 with tyrosine.
Molecular consequence: missense variant. On other transcripts: 3 prime UTR variant (1).
Genome position (GRCh38, 1-based): chr14:60,646,405, T>A on the plus strand (A>T on the coding strand, the complement: SIX1 is on the minus strand). VCF-style: chr14-60646405-T-A. GRCh37 (hg19) VCF-style: chr14-61113123-T-A.
Other names: c.*152A>T (NM_001425142.1); short protein forms N245Y.
Identifiers: ClinVar variation 3753468 (VCV003753468.2).

ClinVar aggregate classification (germline): Uncertain significance (1 of 4 stars; one submission).

Conditions:
Branchiootic syndrome 3 (BOS3). Also called: BO SYNDROME 3. Identifiers: MedGen C1842124, MONDO:0012025, OMIM 608389.
Autosomal dominant nonsyndromic hearing loss 23. Identifiers: Orphanet 90635, MedGen C1854594, MONDO:0011519, OMIM 605192.

Submission:

Labcorp Genetics (formerly Invitae), Labcorp
Classification: Uncertain significance for Autosomal dominant nonsyndromic hearing loss 23; Branchiootic syndrome 3. Last evaluated: 2025-08-27. Review status: criteria provided, single submitter. Criteria: Invitae Variant Classification Sherloc (09022015). Collection method: clinical testing. Allele origin: germline.
Comment: This sequence change replaces asparagine, which is neutral and polar, with tyrosine, which is neutral and polar, at codon 245 of the SIX1 protein (p.Asn245Tyr). This variant is not present in population databases (gnomAD no frequency). This variant has not been reported in the literature in individuals affected with SIX1-related conditions. ClinVar contains an entry for this variant (Variation ID: 3753468). An algorithm developed to predict the effect of missense changes on protein structure and function (PolyPhen-2) suggests that this variant is likely to be tolerated. In summary, the available evidence is currently insufficient to determine the role of this variant in disease. Therefore, it has been classified as a Variant of Uncertain Significance.